The following is an entry in ClinVar:

ClinVar aggregate classification (germline): Conflicting classifications of pathogenicity. Review status: criteria provided, conflicting classifications (1 of 4 stars). 3 submissions from 3 submitters: Likely pathogenic (2); Uncertain significance (1). Last evaluated 2026-07-01.

Conditions:
Glycogen storage disease, type II (IOPD). Also called: Glycogen storage disease type 2; Acid maltase deficiency disease; Aglucosidase alfa; Deficiency of alpha-glucosidase; Deficiency of lysosomal alpha-glucosidase; POMPE DISEASE, INFANTILE-ONSET. Identifiers: Orphanet 365, MedGen C0017921, MONDO:0009290, OMIM 232300.

Submissions (3):

Genomenon, Inc
Classification: Likely pathogenic for Glycogen storage disease, type II. Last evaluated: 2026-07-01. Review status: criteria provided, single submitter. Criteria: Genomenon Sequence Variant Interpretation Standards - Updated. Collection method: curation. Allele origin: germline. Affected: yes.
Comment: GAA p.Pro444Arg (c.1331C>G) is a missense variant that changes the amino acid at codon 444 from Proline to Arginine. This variant has been observed in at least one proband with a GAA-related disorder in the compound heterozygous and/or homozygous state (PMID:24158270;22081099). It is absent or not present at a significant frequency in gnomAD. In silico models predict that this variant is possibly or probably damaging. In conclusion, we classify GAA p.Pro444Arg (c.1331C>G) as a likely pathogenic variant.

Labcorp Genetics (formerly Invitae), Labcorp
Classification: Likely pathogenic for Glycogen storage disease, type II. Last evaluated: 2025-10-24. Review status: criteria provided, single submitter. Criteria: Invitae Variant Classification Sherloc (09022015). Collection method: clinical testing. Allele origin: germline.
Comment: This sequence change replaces proline, which is neutral and non-polar, with arginine, which is basic and polar, at codon 444 of the GAA protein (p.Pro444Arg). This variant is not present in population databases (gnomAD no frequency). This missense change has been observed in individual(s) with Pompe disease (PMID: 24158270). ClinVar contains an entry for this variant (Variation ID: 3769014). Invitae Evidence Modeling of protein sequence and biophysical properties (such as structural, functional, and spatial information, amino acid conservation, physicochemical variation, residue mobility, and thermodynamic stability) indicates that this missense variant is expected to disrupt GAA protein function with a positive predictive value of 95%. In summary, the currently available evidence indicates that the variant is pathogenic, but additional data are needed to prove that conclusively. Therefore, this variant has been classified as Likely Pathogenic.

Women's Health and Genetics/Laboratory Corporation of America, LabCorp
Classification: Uncertain significance. Last evaluated: 2025-02-17. Review status: criteria provided, single submitter. Criteria: LabCorp Variant Classification Summary - May 2015. Collection method: clinical testing. Allele origin: germline.
Comment: Variant summary: GAA c.1331C>G (p.Pro444Arg) results in a non-conservative amino acid change located in the (Trans)glycosidases domain (IPR017853) of the encoded protein sequence. Five of five in-silico tools predict a damaging effect of the variant on protein function. The variant was absent in 250288 control chromosomes. The available data on variant occurrences in the general population are insufficient to allow any conclusion about variant significance. c.1331C>G has been reported in the literature in at least one compound heterozygous individual affected with late-onset Glycogen Storage Disease, Type 2 (Pompe Disease) (e.g. deFilippi_2010). These data do not allow any conclusion about variant significance. To our knowledge, no experimental evidence demonstrating an impact on protein function has been reported. The following publication has been ascertained in the context of this evaluation (PMID: 20308911). No submitters have cited clinical-significance assessments for this variant to ClinVar. Based on the evidence outlined above, the variant was classified as uncertain significance.

Literature cited by the submitters: PubMed 24158270 (cited by Genomenon, Inc and Labcorp Genetics (formerly Invitae), Labcorp); PubMed 22081099 (cited by Genomenon, Inc); PubMed 20308911 (cited by Women's Health and Genetics/Laboratory Corporation of America, LabCorp).

NM_000152.5(GAA):c.1331C>G (p.Pro444Arg)

Gene: GAA (alpha glucosidase; plus strand). Cytogenetic location: 17q25.3.
Variant type: single nucleotide variant.
Coding change: c.1331C>G on transcript NM_000152.5 (MANE Select); coding-DNA position 1331, C replaced by G.
Protein change: p.Pro444Arg; replaces proline 444 with arginine.
Molecular consequence: missense variant.
Genome position (GRCh38, 1-based): chr17:80,109,949, C>G. VCF-style: chr17-80109949-C-G. GRCh37 (hg19) VCF-style: chr17-78083748-C-G.
Other names: c.1331C>G, p.Pro444Arg (NM_001079803.3, NM_001079804.3, NM_001406741.1 and 1 more transcripts); short protein forms P444R.
Identifiers: ClinVar variation 3769014 (VCV003769014.3).